The following is an entry in ClinVar:

NM_032383.5(HPS3):c.884+6A>G

Gene: HPS3 (HPS3 biogenesis of lysosomal organelles complex 2 subunit 1; plus strand). Cytogenetic location: 3q24.
Variant type: single nucleotide variant.
Coding change: c.884+6A>G on transcript NM_032383.5 (MANE Select); 6 bases into the intron after coding-DNA position 884, A replaced by G.
Molecular consequence: intron variant.
Genome position (GRCh38, 1-based): chr3:149,141,194, A>G. VCF-style: chr3-149141194-A-G. GRCh37 (hg19) VCF-style: chr3-148858981-A-G.
Other names: c.389+6A>G (NM_001308258.2).
Identifiers: ClinVar variation 2142706 (VCV002142706.2), dbSNP rs767875239, ClinGen allele CA2659897.

ClinVar aggregate classification (germline): Uncertain significance (1 of 4 stars; one submission).

Allele frequency attached by ClinVar (database versions not stated): TOPMed 0.00001; gnomAD exomes 0.00002; gnomAD 0.00003; ExAC 0.00009.
gnomAD v4.1: 23 of 1,431,616 alleles (0.0016%); highest among the groups gnomAD compares: East Asian, 0.042%; no homozygotes.

Submission:

Labcorp Genetics (formerly Invitae), Labcorp
Classification: Uncertain significance. Last evaluated: 2025-03-18. Review status: criteria provided, single submitter. Criteria: Invitae Variant Classification Sherloc (09022015). Collection method: clinical testing. Allele origin: germline.
Comment: This sequence change falls in intron 3 of the HPS3 gene. It does not directly change the encoded amino acid sequence of the HPS3 protein. It affects a nucleotide within the consensus splice site. The frequency data for this variant in the population databases is considered unreliable, as metrics indicate poor data quality at this position in the gnomAD database. This variant has not been reported in the literature in individuals affected with HPS3-related conditions. ClinVar contains an entry for this variant (Variation ID: 2142706). Variants that disrupt the consensus splice site are a relatively common cause of aberrant splicing (PMID: 17576681, 9536098). Algorithms developed to predict the effect of sequence changes on RNA splicing suggest that this variant is not likely to affect RNA splicing. In summary, the available evidence is currently insufficient to determine the role of this variant in disease. Therefore, it has been classified as a Variant of Uncertain Significance.

Literature cited by the submitters: PubMed 17576681; PubMed 9536098.